The following is an entry in ClinVar:

NM_080680.3(COL11A2):c.2158C>T (p.Arg720Ter)

Gene: COL11A2 (collagen type XI alpha 2 chain; minus strand). Cytogenetic location: 6p21.32.
Variant type: single nucleotide variant.
Coding change: c.2158C>T on transcript NM_080680.3 (MANE Select); coding-DNA position 2158, C replaced by T.
Protein change: p.Arg720Ter; replaces arginine 720 with a stop codon.
Molecular consequence: nonsense.
Genome position (GRCh38, 1-based): chr6:33,176,444, G>A on the plus strand (C>T on the coding strand, the complement: COL11A2 is on the minus strand). VCF-style: chr6-33176444-G-A. GRCh37 (hg19) VCF-style: chr6-33144221-G-A.
Other names: c.1978C>T, p.Arg660Ter (NM_001424108.1); c.1312C>T, p.Arg438Ter (NM_001424109.1); c.1132C>T, p.Arg378Ter (NM_001424110.1, NM_001424111.1); c.112C>T, p.Arg38Ter (NM_001424112.1); c.1837C>T, p.Arg613Ter (NM_080679.3); c.1900C>T, p.Arg634Ter (NM_080681.3); short protein forms R38*, R613*, R634*, R660*, R438*, R720*, R378*.
Identifiers: ClinVar variation 2904699 (VCV002904699.6), dbSNP rs778929272, ClinGen allele CA3751029.

ClinVar aggregate classification (germline): Pathogenic/Likely pathogenic. Review status: criteria provided, multiple submitters, no conflicts (2 of 4 stars). 4 submissions from 4 submitters: Pathogenic (2); Likely pathogenic (1). 1 of the submissions does not count toward it. Last evaluated 2025-11-29.

Conditions:
Monogenic hearing loss.
Otospondylomegaepiphyseal dysplasia, autosomal dominant (OSMEDA). Also called: COL11A2-Related Stickler Syndrome; Pierre Robin syndrome with fetal chondrodysplasia; Stickler syndrome, type 3. Identifiers: Orphanet 166100, Orphanet 3450, MedGen C1848488, MONDO:0008490, OMIM 184840.
COL11A2-related disorder. Also called: COL11A2-related condition; COL11A2-related disorders.

Allele frequency attached by ClinVar (database versions not stated): gnomAD exomes below 0.00001; TOPMed below 0.00001; ExAC 0.00001.
gnomAD v4.1: 3 of 1,612,500 alleles (0.00019%); highest among the groups gnomAD compares: Non-Finnish European, 0.00017%; no homozygotes.

Submissions (4):

Genetics Laboratory, Great Ormond Street Hospital NHS Foundation Trust, North Thames Genomic Laboratory Hub
Classification: Pathogenic for Monogenic hearing loss. Last evaluated: 2025-11-29. Review status: criteria provided, single submitter. Criteria: ACGS Best Practice Guidelines for Variant Classification in Rare Disease 2024 v1.2. Collection method: clinical testing. Allele origin: germline. Affected: yes.
Comment: PM2_moderate, PVS1_very-strong

Blueprint Genetics
Classification: Likely pathogenic for COL11A2-related disorders. Last evaluated: 2024-03-12. Review status: criteria provided, single submitter. Criteria: ACMG Guidelines, 2015. Collection method: clinical testing. Allele origin: germline. Affected: yes. Observed: 1 variant allele.

Labcorp Genetics (formerly Invitae), Labcorp
Classification: Pathogenic. Last evaluated: 2023-08-17. Review status: criteria provided, single submitter. Criteria: Invitae Variant Classification Sherloc (09022015). Collection method: clinical testing. Allele origin: germline.
Comment: This sequence change creates a premature translational stop signal (p.Arg720*) in the COL11A2 gene. It is expected to result in an absent or disrupted protein product. Loss-of-function variants in COL11A2 are known to be pathogenic (PMID: 10677296, 21204229). The frequency data for this variant in the population databases is considered unreliable, as metrics indicate poor data quality at this position in the gnomAD database. This variant has not been reported in the literature in individuals affected with COL11A2-related conditions. For these reasons, this variant has been classified as Pathogenic.

Molecular Genetics Laboratory, BC Children's and BC Women's Hospitals
Classification: Uncertain significance for Otospondylomegaepiphyseal dysplasia, autosomal dominant. Last evaluated: 2026-01-14. Review status: no assertion criteria provided. Criteria: ACMG Guidelines, 2015. Collection method: clinical testing. Allele origin: paternal. Affected: yes. Not counted in ClinVar's aggregate classification.

Literature cited by the submitters: PubMed 10677296 (cited by Labcorp Genetics (formerly Invitae), Labcorp); PubMed 21204229 (cited by Labcorp Genetics (formerly Invitae), Labcorp).